The following is an entry in ClinVar:

NM_000208.4(INSR):c.1179G>A (p.Gly393=)

Gene: INSR (insulin receptor; minus strand). Cytogenetic location: 19p13.2.
Variant type: single nucleotide variant.
Coding change: c.1179G>A on transcript NM_000208.4 (MANE Select); coding-DNA position 1179, G replaced by A.
Protein change: p.Gly393=; no amino-acid change (glycine 393 retained).
Molecular consequence: synonymous variant.
Genome position (GRCh38, 1-based): chr19:7,172,379, C>T on the plus strand (G>A on the coding strand, the complement: INSR is on the minus strand). VCF-style: chr19-7172379-C-T. GRCh37 (hg19) VCF-style: chr19-7172390-C-T.
Other names: c.1179G>A, p.Gly393= (NM_001079817.3).
Identifiers: ClinVar variation 197645 (VCV000197645.15), dbSNP rs140573575, ClinGen allele CA245897.

ClinVar aggregate classification (germline): Conflicting classifications of pathogenicity. Review status: criteria provided, conflicting classifications (1 of 4 stars). 3 submissions from 3 submitters: Uncertain significance (1); Likely benign (2). Last evaluated 2025-07-17.

Conditions:
INSR-related disorder.

Allele frequency attached by ClinVar (database versions not stated): ESP Exome Variant Server 0.00015; 1000 Genomes Project 0.00020; gnomAD 0.00025; 1000 Genomes Project 30x 0.00031; TOPMed 0.00033.
gnomAD v4.1: 72 of 1,614,076 alleles (0.0045%); highest among the groups gnomAD compares: African/African-American, 0.092%; 1 homozygote.

Submissions (3):

PreventionGenetics, part of Exact Sciences
Classification: Likely benign for INSR-related condition. Last evaluated: 2025-07-17. Review status: criteria provided, single submitter. Criteria: ACMG Guidelines, 2015. Collection method: clinical testing. Allele origin: germline.
Comment: This variant is classified as likely benign based on ACMG/AMP sequence variant interpretation guidelines (Richards et al. 2015 PMID: 25741868, with internal and published modifications).

Labcorp Genetics (formerly Invitae), Labcorp
Classification: Likely benign. Last evaluated: 2024-11-18. Review status: criteria provided, single submitter. Criteria: Invitae Variant Classification Sherloc (09022015). Collection method: clinical testing. Allele origin: germline.

Eurofins Ntd Llc (ga)
Classification: Uncertain significance. Last evaluated: 2015-04-24. Review status: criteria provided, single submitter. Criteria: EGL Classification Definitions 2015. Collection method: clinical testing. Allele origin: germline. Observed: 1 variant allele, 1 heterozygote.